The following is an entry in ClinVar:

NM_000038.6(APC):c.2683T>G (p.Ser895Ala)

Gene: APC (APC regulator of Wnt signaling pathway; plus strand). Cytogenetic location: 5q22.2.
Variant type: single nucleotide variant.
Coding change: c.2683T>G on transcript NM_000038.6 (MANE Select); coding-DNA position 2683, T replaced by G.
Protein change: p.Ser895Ala; replaces serine 895 with alanine.
Molecular consequence: missense variant.
Genome position (GRCh38, 1-based): chr5:112,838,277, T>G. VCF-style: chr5-112838277-T-G. GRCh37 (hg19) VCF-style: chr5-112173974-T-G.
Other names: c.2410T>G, p.Ser804Ala (NM_001354902.2); c.2380T>G, p.Ser794Ala (NM_001354903.2); c.2305T>G, p.Ser769Ala (NM_001354904.2); c.2203T>G, p.Ser735Ala (NM_001354905.2); c.1834T>G, p.Ser612Ala (NM_001354906.2); c.2683T>G, p.Ser895Ala (NM_001127510.3, NM_001354895.2); c.2629T>G, p.Ser877Ala (NM_001127511.3); c.2737T>G, p.Ser913Ala (NM_001354896.2); and 5 more; short protein forms S612A, S867A, S735A, S804A, S854A, S870A, S895A, S913A.
Identifiers: ClinVar variation 1518273 (VCV001518273.8), dbSNP rs2149875168, ClinGen allele CA16027191.

ClinVar aggregate classification (germline): Uncertain significance (1 of 4 stars; one submission).

Conditions:
Familial adenomatous polyposis 1 (FAP1). Also called: FAMILIAL ADENOMATOUS POLYPOSIS 1, ATTENUATED; POLYPOSIS, ADENOMATOUS INTESTINAL. Identifiers: MedGen C2713442, MONDO:0021056, OMIM 175100. Disease mechanism: loss of function.

Submission:

Labcorp Genetics (formerly Invitae), Labcorp
Classification: Uncertain significance for Familial adenomatous polyposis 1. Last evaluated: 2021-07-09. Review status: criteria provided, single submitter. Criteria: Invitae Variant Classification Sherloc (09022015). Collection method: clinical testing. Allele origin: germline.
Comment: In summary, the available evidence is currently insufficient to determine the role of this variant in disease. Therefore, it has been classified as a Variant of Uncertain Significance. Algorithms developed to predict the effect of missense changes on protein structure and function are either unavailable or do not agree on the potential impact of this missense change (SIFT: "Deleterious"; PolyPhen-2: "Benign"; Align-GVGD: "Class C0"). This variant has not been reported in the literature in individuals affected with APC-related conditions. This variant is not present in population databases (ExAC no frequency). This sequence change replaces serine with alanine at codon 895 of the APC protein (p.Ser895Ala). The serine residue is moderately conserved and there is a moderate physicochemical difference between serine and alanine.